The following is an entry in ClinVar:

NM_001163809.2(WDR81):c.1157T>C (p.Val386Ala)

Gene: WDR81 (WD repeat domain 81; plus strand). Cytogenetic location: 17p13.3.
Variant type: single nucleotide variant.
Coding change: c.1157T>C on transcript NM_001163809.2 (MANE Select); coding-DNA position 1157, T replaced by C.
Protein change: p.Val386Ala; replaces valine 386 with alanine.
Molecular consequence: missense variant. On other transcripts: intron variant (3).
Genome position (GRCh38, 1-based): chr17:1,726,116, T>C. VCF-style: chr17-1726116-T-C. GRCh37 (hg19) VCF-style: chr17-1629410-T-C.
Other names: c.-123-1874T>C (NM_152348.4); c.59-4264T>C (NM_001163673.2); c.-15+1330T>C (NM_001163811.2); short protein forms V386A.
Identifiers: ClinVar variation 1029178 (VCV001029178.1), dbSNP rs1915232687, ClinGen allele CA397587676.
Genomic context (GRCh38, chr17:1,726,116, plus strand): 5'-TGAATCGGTTGGCAGGTCGGCGGCAGGGGGACCCCAACTACCACCCCGTGCTGCCCTGGG[T>C]GGTGGACTTCACTACGCCCCATGGGCGCTTCCGAGACCTGCGCAAGTCCAAGTTCCGCCT-3'
Protein context (NP_001157281.1, residues 376-396): DPNYHPVLPW[Val386Ala]VDFTTPHGRF

ClinVar aggregate classification (germline): Uncertain significance (1 of 4 stars; one submission).

Conditions:
Cerebellar ataxia, impaired intellectual development, and dysequilibrium syndrome 2. Also called: Cerebellar ataxia, intellectual disability, and dysequilibrium syndrome 2; CEREBELLAR ATAXIA, MENTAL RETARDATION, AND DYSEQUILIBRIUM SYNDROME 2; CEREBELLAR ATAXIA AND MENTAL RETARDATION WITH OR WITHOUT QUADRUPEDAL LOCOMOTION 2. Identifiers: Orphanet 1766, MedGen C2750234, MONDO:0012430, OMIM 610185.

Allele frequency attached by ClinVar (database versions not stated): gnomAD exomes below 0.00001.
gnomAD v4.1: 3 of 1,544,024 alleles (0.00019%); highest among the groups gnomAD compares: Non-Finnish European, 0.00018%; no homozygotes.

Submission:

Baylor Genetics
Classification: Uncertain significance for Cerebellar ataxia, impaired intellectual development, and dysequilibrium syndrome 2. Last evaluated: 2020-01-17. Review status: criteria provided, single submitter. Criteria: ACMG Guidelines, 2015. Collection method: clinical testing. Allele origin: unknown. Affected: yes.
Comment: This variant was determined to be of uncertain significance according to ACMG Guidelines, 2015 [PMID:25741868].